The following is an entry in ClinVar:

NM_001242957.3(MAK):c.1673-12_1673-8del

Gene: MAK (male germ cell associated kinase; minus strand). Cytogenetic location: 6p24.2.
Variant type: Deletion.
Coding change: c.1673-12_1673-8del on transcript NM_001242957.3 (MANE Select); 12 bases into the intron before coding-DNA position 1673 through 8 bases into the intron before coding-DNA position 1673, 5 bases deleted (ATATG; older notation c.1673-12_1673-8delATATG).
Molecular consequence: intron variant.
Genome position (GRCh38, 1-based): chr6:10,770,238-10,770,242, CATAT deleted on the plus strand (ATATG on the coding strand, the reverse complement: MAK is on the minus strand); deleting any 5 consecutive bases within chr6:10,770,238-10,770,246 gives the same sequence; the c. name uses the placement nearest the transcript's 3' end. VCF-style (leftmost placement, unchanged base first): chr6-10770237-ACATAT-A. GRCh37 (hg19) VCF-style: chr6-10770470-ACATAT-A.
Other names: c.1673-12_1673-8del5 (NM_001242957.2); c.1495+5086_1495+5090del (NM_001377262.1); c.1598-12_1598-8del (NM_005906.6); c.1597+5086_1597+5090del (NM_001242385.2).
Identifiers: ClinVar variation 1142881 (VCV001142881.10), dbSNP rs756764891, ClinGen allele CA3633370.
Genomic context (GRCh38, chr6:10,770,237, plus strand): 5'-GAAAGGAAGGAATATATCCTGACTGATTGTAAGTAGCATAACTTCCAAGATTTCCTAGTG[ACATAT>A]CATAAAGTTTCACAGTCAGAAGGTGAATATTTTAGGCACAGTAGAATAACATTGAATACT-3'

ClinVar aggregate classification (germline): Likely benign. Review status: criteria provided, multiple submitters, no conflicts (2 of 4 stars). 2 submissions from 2 submitters: Likely benign (2). Last evaluated 2025-10-20.

Conditions:
MAK-related disorder. Also called: MAK-related condition.

Submissions (2):

Labcorp Genetics (formerly Invitae), Labcorp
Classification: Likely benign. Last evaluated: 2025-10-20. Review status: criteria provided, single submitter. Criteria: Invitae Variant Classification Sherloc (09022015). Collection method: clinical testing. Allele origin: germline.

PreventionGenetics, part of Exact Sciences
Classification: Likely benign for MAK-related condition. Last evaluated: 2024-12-04. Review status: criteria provided, single submitter. Criteria: ACMG Guidelines, 2015. Collection method: clinical testing. Allele origin: germline.
Comment: This variant is classified as likely benign based on ACMG/AMP sequence variant interpretation guidelines (Richards et al. 2015 PMID: 25741868, with internal and published modifications).